The following is an entry in ClinVar:

ClinVar aggregate classification (germline): Uncertain significance (1 of 4 stars; one submission).

Conditions:
Epidermolysis bullosa simplex with nail dystrophy (EBS5D). Identifiers: MedGen C4225309, MONDO:0014661, OMIM 616487.
Epidermolysis bullosa simplex 5B, with muscular dystrophy (EBS5B). Also called: EPIDERMOLYSIS BULLOSA SIMPLEX AND LIMB-GIRDLE MUSCULAR DYSTROPHY; Epidermolysis bullosa simplex with muscular dystrophy. Identifiers: Orphanet 257, MedGen C2931072, MONDO:0009181, OMIM 226670.
Epidermolysis bullosa simplex, Ogna type (EBS5A). Also called: Pidermolysis bullosa simplex 5A, Ogna type; EPIDERMOLYSIS BULLOSA SIMPLEX 5A, OGNA TYPE. Identifiers: Orphanet 79401, MedGen C0432317, MONDO:0007555, OMIM 131950.
Epidermolysis bullosa simplex 5C, with pyloric atresia (EBS5C). Also called: Epidermolysis bullosa simplex with pyloric atresia; PLEC-Related Epidermolysis Bullosa with Pyloric Atresia; PLEC1-Related Epidermolysis Bullosa with Pyloric Atresia. Identifiers: Orphanet 158684, MedGen C2677349, MONDO:0012807, OMIM 612138.
Autosomal recessive limb-girdle muscular dystrophy type 2Q (LGMDR17). Also called: MUSCULAR DYSTROPHY, LIMB-GIRDLE, AUTOSOMAL RECESSIVE 17. Identifiers: Orphanet 254361, MedGen C3150989, MONDO:0013390, OMIM 613723.

Submission:

Labcorp Genetics (formerly Invitae), Labcorp
Classification: Uncertain significance for Autosomal recessive limb-girdle muscular dystrophy type 2Q; Epidermolysis bullosa simplex, Ogna type; Epidermolysis bullosa simplex with nail dystrophy; Epidermolysis bullosa simplex 5C, with pyloric atresia; Epidermolysis bullosa simplex 5B, with muscular dystrophy. Last evaluated: 2023-07-17. Review status: criteria provided, single submitter. Criteria: Invitae Variant Classification Sherloc (09022015). Collection method: clinical testing. Allele origin: germline.
Comment: ClinVar contains an entry for this variant (Variation ID: 2184996). In summary, the available evidence is currently insufficient to determine the role of this variant in disease. Therefore, it has been classified as a Variant of Uncertain Significance. This variant has not been reported in the literature in individuals affected with PLEC-related conditions. This variant, c.4720_4728dup, results in the insertion of 3 amino acid(s) of the PLEC protein (p.Glu1574_Glu1576dup), but otherwise preserves the integrity of the reading frame. This variant is not present in population databases (gnomAD no frequency).

NM_201384.3(PLEC):c.4639_4647dup (p.Glu1549_Arg1550insGluAlaGlu)

Gene: PLEC (plectin; minus strand). Cytogenetic location: 8q24.3.
Variant type: Duplication.
Coding change: c.4639_4647dup on transcript NM_201384.3 (MANE Select); coding-DNA positions 4639 to 4647, 9 bases duplicated (GAGGCGGAG; older notation c.4639_4647dupGAGGCGGAG).
Protein change: p.Glu1549_Arg1550insGluAlaGlu.
Molecular consequence: inframe insertion.
Genome position (GRCh38, 1-based): chr8:143,925,282-143,925,290, CTCCGCCTC duplicated on the plus strand (GAGGCGGAG on the coding strand, the reverse complement: PLEC is on the minus strand); duplicating any 9 consecutive bases within chr8:143,925,282-143,925,298 gives the same sequence; the c. name uses the placement nearest the transcript's 3' end. VCF-style (leftmost placement, unchanged base first): chr8-143925281-G-GCTCCGCCTC. GRCh37 (hg19) VCF-style: chr8-144999449-G-GCTCCGCCTC.
Other names: c.4720_4728dup, p.Glu1576_Arg1577insGluAlaGlu (NM_000445.5); c.4597_4605dup, p.Glu1535_Arg1536insGluAlaGlu (NM_201378.4); c.4573_4581dup, p.Glu1527_Arg1528insGluAlaGlu (NM_201379.3); c.5050_5058dup, p.Glu1686_Arg1687insGluAlaGlu (NM_201380.4); c.4543_4551dup, p.Glu1517_Arg1518insGluAlaGlu (NM_201381.3); c.4639_4647dup, p.Glu1549_Arg1550insGluAlaGlu (NM_201382.4); c.4651_4659dup, p.Glu1553_Arg1554insGluAlaGlu (NM_201383.3).
Identifiers: ClinVar variation 2184996 (VCV002184996.4), dbSNP rs1824628854, ClinGen allele CA1120226231.